The following is an entry in ClinVar:

ClinVar aggregate classification (germline): Conflicting classifications of pathogenicity. Review status: criteria provided, conflicting classifications (1 of 4 stars). 4 submissions from 4 submitters: Uncertain significance (3); Likely benign (1). Last evaluated 2024-03-27.

Conditions:
Sucrase-isomaltase deficiency (CSID). Also called: SI DEFICIENCY; Congenital sucrose isomaltose malabsorption; Sucrose isomaltose enzyme deficiency; Deficiency of isomaltase. Identifiers: Orphanet 35122, MedGen C1283620, MONDO:0009114, OMIM 222900.

Allele frequency attached by ClinVar (database versions not stated): ExAC 0.00005; gnomAD exomes 0.00006 and 0.00009; TOPMed 0.00006; ESP Exome Variant Server 0.00008; gnomAD 0.00008.
gnomAD v4.1: 152 of 1,612,492 alleles (0.0094%); highest among the groups gnomAD compares: Middle Eastern, 0.016%; no homozygotes.

Submissions (4):

Blueprint Genetics
Classification: Likely benign. Last evaluated: 2024-03-27. Review status: criteria provided, single submitter. Criteria: ACMG Guidelines, 2015. Collection method: clinical testing. Allele origin: germline.

Fulgent Genetics
Classification: Uncertain significance for Sucrase-isomaltase deficiency. Last evaluated: 2024-03-18. Review status: criteria provided, single submitter. Criteria: ACMG Guidelines, 2015. Collection method: clinical testing. Allele origin: germline.

Labcorp Genetics (formerly Invitae), Labcorp
Classification: Uncertain significance. Last evaluated: 2022-07-20. Review status: criteria provided, single submitter. Criteria: Invitae Variant Classification Sherloc (09022015). Collection method: clinical testing. Allele origin: germline.
Comment: This sequence change replaces isoleucine, which is neutral and non-polar, with valine, which is neutral and non-polar, at codon 1111 of the SI protein (p.Ile1111Val). This variant is present in population databases (rs145913658, gnomAD 0.01%). This variant has not been reported in the literature in individuals affected with SI-related conditions. ClinVar contains an entry for this variant (Variation ID: 899495). Advanced modeling of protein sequence and biophysical properties (such as structural, functional, and spatial information, amino acid conservation, physicochemical variation, residue mobility, and thermodynamic stability) performed at Invitae indicates that this missense variant is not expected to disrupt SI protein function. In summary, the available evidence is currently insufficient to determine the role of this variant in disease. Therefore, it has been classified as a Variant of Uncertain Significance.

Illumina Laboratory Services, Illumina
Classification: Uncertain significance for Sucrase-isomaltase deficiency. Last evaluated: 2018-01-12. Review status: criteria provided, single submitter. Criteria: ICSL Variant Classification Criteria 13 December 2019. Collection method: clinical testing. Allele origin: germline.

NM_001041.4(SI):c.3331A>G (p.Ile1111Val)

Gene: SI (sucrase-isomaltase; minus strand). Cytogenetic location: 3q26.1.
Variant type: single nucleotide variant.
Coding change: c.3331A>G on transcript NM_001041.4 (MANE Select); coding-DNA position 3331, A replaced by G.
Protein change: p.Ile1111Val; replaces isoleucine 1111 with valine.
Molecular consequence: missense variant.
Genome position (GRCh38, 1-based): chr3:165,019,694, T>C on the plus strand (A>G on the coding strand, the complement: SI is on the minus strand). VCF-style: chr3-165019694-T-C. GRCh37 (hg19) VCF-style: chr3-164737482-T-C.
Other names: short protein forms I1111V.
Identifiers: ClinVar variation 899495 (VCV000899495.9), dbSNP rs145913658, ClinGen allele CA2690307.